The following is an entry in ClinVar:

NM_000293.3(PHKB):c.25G>A (p.Ala9Thr)

Genes: PHKB (phosphorylase kinase regulatory subunit beta; plus strand), LOC130058947 (ATAC-STARR-seq lymphoblastoid silent region 7451; plus strand). Cytogenetic location: 16q12.1.
Variant type: single nucleotide variant.
Coding change: c.25G>A on transcript NM_000293.3 (MANE Select); coding-DNA position 25, G replaced by A.
Protein change: p.Ala9Thr; replaces alanine 9 with threonine.
Molecular consequence: missense variant. On other transcripts: 5 prime UTR variant (1).
Genome position (GRCh38, 1-based): chr16:47,461,375, G>A. VCF-style: chr16-47461375-G-A. GRCh37 (hg19) VCF-style: chr16-47495286-G-A.
Other names: c.-109G>A (NM_001031835.3); c.25G>A, p.Ala9Thr (NM_001363837.1); c.25G>A (NM_000293.2); short protein forms A9T.
Identifiers: ClinVar variation 2198378 (VCV002198378.3), dbSNP rs138071587, ClinGen allele CA8040310.
Genomic context (GRCh38, chr16:47,461,375, plus strand): 5'-CCCGGGGGCGGTGGCCAAGGCGGCGACCGGAGCGCGATGGCGGGGGCGGCGGGACTCACG[G>A]CAGAAGTGAGCTGGAAGGTCTTGGAGCGAAGAGCTCGGACCAAGCGCTCAGGTTTGGCTG-3'
Protein context (NP_000284.1, residues 1-19): MAGAAGLT[Ala9Thr]EVSWKVLERR

ClinVar aggregate classification (germline): Uncertain significance. Review status: criteria provided, multiple submitters, no conflicts (2 of 4 stars). 2 submissions from 2 submitters: Uncertain significance (2). Last evaluated 2023-04-25.

Conditions:
Inborn genetic diseases. Identifiers: MedGen C0950123, MeSH D030342.
Glycogen storage disease IXb (GSD9B). Also called: PHOSPHORYLASE KINASE DEFICIENCY OF LIVER AND MUSCLE, AUTOSOMAL RECESSIVE; GLYCOGENOSIS OF LIVER AND MUSCLE, AUTOSOMAL RECESSIVE; GSD IXb. Identifiers: Orphanet 79240, MedGen C0543514, MONDO:0009868, OMIM 261750.

Allele frequency attached by ClinVar (database versions not stated): gnomAD 0.00002; gnomAD exomes 0.00002; ExAC 0.00003; TOPMed 0.00005; ESP Exome Variant Server 0.00023.
gnomAD v4.1: 27 of 1,612,370 alleles (0.0017%); highest among the groups gnomAD compares: African/African-American, 0.012%; no homozygotes.

Submissions (2):

Ambry Genetics
Classification: Uncertain significance for Inborn genetic diseases. Last evaluated: 2023-04-25. Review status: criteria provided, single submitter. Criteria: Ambry Variant Classification Scheme 2023. Collection method: clinical testing. Allele origin: germline.

Labcorp Genetics (formerly Invitae), Labcorp
Classification: Uncertain significance for Glycogen storage disease IXb. Last evaluated: 2022-02-03. Review status: criteria provided, single submitter. Criteria: Invitae Variant Classification Sherloc (09022015). Collection method: clinical testing. Allele origin: germline.
Comment: This sequence change replaces alanine, which is neutral and non-polar, with threonine, which is neutral and polar, at codon 9 of the PHKB protein (p.Ala9Thr). The frequency data for this variant in the population databases is considered unreliable, as metrics indicate poor data quality at this position in the gnomAD database. This variant has not been reported in the literature in individuals affected with PHKB-related conditions. Algorithms developed to predict the effect of missense changes on protein structure and function output the following: SIFT: "Tolerated"; PolyPhen-2: "Benign"; Align-GVGD: "Class C0". The threonine amino acid residue is found in multiple mammalian species, which suggests that this missense change does not adversely affect protein function. In summary, the available evidence is currently insufficient to determine the role of this variant in disease. Therefore, it has been classified as a Variant of Uncertain Significance.